The following is an entry in ClinVar:

ClinVar aggregate classification (germline): Uncertain significance (1 of 4 stars; one submission).

Conditions:
Primary ciliary dyskinesia. Also called: Ciliary dyskinesia. Identifiers: Orphanet 244, MedGen C0008780, MONDO:0016575, HP:0012265.

Allele frequency attached by ClinVar (database versions not stated): TOPMed below 0.00001; gnomAD exomes 0.00002; ExAC 0.00004.
gnomAD v4.1: 3 of 1,577,520 alleles (0.00019%); highest among the groups gnomAD compares: South Asian, 0.0035%; no homozygotes.

Submission:

Labcorp Genetics (formerly Invitae), Labcorp
Classification: Uncertain significance for Primary ciliary dyskinesia. Last evaluated: 2018-02-07. Review status: criteria provided, single submitter. Criteria: Invitae Variant Classification Sherloc (09022015). Collection method: clinical testing. Allele origin: germline.
Comment: In summary, the available evidence is currently insufficient to determine the role of this variant in disease. Therefore, it has been classified as a Variant of Uncertain Significance. Algorithms developed to predict the effect of missense changes on protein structure and function do not agree on the potential impact of this missense change (SIFT: "Deleterious"; PolyPhen-2: "Probably Damaging"; Align-GVGD: "Class C0"). This variant has not been reported in the literature in individuals with DNAAF2-related disease. This variant is present in population databases (rs765847926, ExAC 0.01%). This sequence change replaces alanine with serine at codon 40 of the DNAAF2 protein (p.Ala40Ser). The alanine residue is moderately conserved and there is a moderate physicochemical difference between alanine and serine.

NM_018139.3(DNAAF2):c.118G>T (p.Ala40Ser)

Gene: DNAAF2 (dynein axonemal assembly factor 2; minus strand). Cytogenetic location: 14q21.3.
Variant type: single nucleotide variant.
Coding change: c.118G>T on transcript NM_018139.3 (MANE Select); coding-DNA position 118, G replaced by T.
Protein change: p.Ala40Ser; replaces alanine 40 with serine.
Molecular consequence: missense variant.
Genome position (GRCh38, 1-based): chr14:49,635,032, C>A on the plus strand (G>T on the coding strand, the complement: DNAAF2 is on the minus strand). VCF-style: chr14-49635032-C-A. GRCh37 (hg19) VCF-style: chr14-50101750-C-A.
Other names: c.118G>T, p.Ala40Ser (NM_001083908.2); short protein forms A40S.
Identifiers: ClinVar variation 572068 (VCV000572068.8), dbSNP rs765847926, ClinGen allele CA7173157.